The following is an entry in ClinVar:

ClinVar aggregate classification (germline): Conflicting classifications of pathogenicity. Review status: criteria provided, conflicting classifications (1 of 4 stars). 2 submissions from 2 submitters: Pathogenic (1); Uncertain significance (1). Last evaluated 2025-07-15.

Conditions:
Deficiency of iodide peroxidase (TDH2A). Also called: HYPOTHYROIDISM, CONGENITAL, DUE TO DYSHORMONOGENESIS, 2A; IODIDE PEROXIDASE DEFICIENCY; THYROID HORMONOGENESIS, GENETIC DEFECT IN, 2A; THYROID PEROXIDASE DEFICIENCY; Thyroid dyshormonogenesis 2A. Identifiers: Orphanet 95716, MedGen C1291299, MONDO:0010133, OMIM 274500.

Submissions (2):

First Genomix Gene Laboratory, Genetic Diagnostics Department
Classification: Pathogenic for Deficiency of iodide peroxidase. Last evaluated: 2025-07-15. Review status: criteria provided, single submitter. Criteria: ACMG Guidelines, 2015. Collection method: clinical testing. Allele origin: germline. Inheritance: Autosomal recessive inheritance. Affected: no. Observed: 1 variant allele.

Women's Health and Genetics/Laboratory Corporation of America, LabCorp
Classification: Uncertain significance. Last evaluated: 2023-05-11. Review status: criteria provided, single submitter. Criteria: LabCorp Variant Classification Summary - May 2015. Collection method: clinical testing. Allele origin: germline.
Comment: Variant summary: TPO c.2723_2732del10 (p.Arg908LeufsX63) causes a frameshift where the last 26 amino acids are replaced with 64 incorrect amino acids, resulting in an extension of the protein. The variant allele was found at a frequency of 4e-06 in 250306 control chromosomes (gnomAD). The available data on variant occurrences in the general population are insufficient to allow any conclusion about variant significance. c.2723_2732del10 has been reported in the literature in at least one homozygous individual affected with goitrous hypothyroidism (e.g., Pfarr_2006). These data indicate that the variant may be associated with disease. Variants downstream from Arg908, namely c.2748G>A and c.2738_2748+5del, have been reported in the literature in individuals affected with congenital hypothyroidism, however, these variants affect the splice-site at the C-terminal end of the penultimate exon and therefore might a have a different protein level effect, thus might not support the causality of our variant (Rodrigues_2005, Sparling_2016). In addition, a variant cited as c.2749-2_2802del (which corresponds to the deletion of the last exon (p.917-933)) have also been reported in the literature in association with congenital hypothyroidism, however no further details on this variant were specified (Oliver-Petit_2021). On the other hand, a downstream variant, c.2715_2724dup (p.Ala909ThrfsX75), has been reported at a relatively high allele frequency in the African/African American subpopulation, including 1 homozygote (gnomAD). To our knowledge, no experimental evidence demonstrating an impact on protein function has been reported. The following publications have been ascertained in the context of this evaluation (PMID: 16649969, 26894573, 34248839, 15745925). No clinical diagnostic laboratories have submitted clinical-significance assessments for this variant to ClinVar after 2014. Based on the evidence outlined above, the variant was classified as VUS-possibly pathogenic.

Literature cited by the submitters: PubMed 15745925 (cited by Women's Health and Genetics/Laboratory Corporation of America, LabCorp); PubMed 34248839 (cited by Women's Health and Genetics/Laboratory Corporation of America, LabCorp); PubMed 16649969 (cited by Women's Health and Genetics/Laboratory Corporation of America, LabCorp); PubMed 26894573 (cited by Women's Health and Genetics/Laboratory Corporation of America, LabCorp).

NM_001206744.2(TPO):c.2723_2732del (p.Arg908fs)

Genes: LALTOP (lung cancer associated lncRNA targeting TOP2A; minus strand), TPO (thyroid peroxidase; plus strand), LOC126806104 (CDK7 strongly-dependent group 2 enhancer GRCh37_chr2:1544276-1545475; plus strand). Cytogenetic location: 2p25.3.
Variant type: Deletion.
Coding change: c.2723_2732del on transcript NM_001206744.2 (MANE Select); coding-DNA positions 2723 to 2732, 10 bases deleted (GGGCCGCAGC; older notation c.2723_2732delGGGCCGCAGC).
Protein change: p.Arg908fs; shifts the reading frame from arginine 908.
Molecular consequence: frameshift variant.
Genome position (GRCh38, 1-based): chr2:1,540,698-1,540,707, GGGCCGCAGC deleted; deleting any 10 consecutive bases within chr2:1,540,691-1,540,707 gives the same sequence; the c. name uses the placement nearest the transcript's 3' end. VCF-style (leftmost placement, unchanged base first): chr2-1540690-ACCGCAGCGGG-A. GRCh37 (hg19) VCF-style: chr2-1544462-ACCGCAGCGGG-A.
Other names: c.2723_2732del, p.Arg908fs (NM_000547.6); c.2552_2561del, p.Arg851fs (NM_001206745.2, NM_175719.4); c.2591_2600del, p.Arg864fs (NM_175721.3); c.2204_2213del, p.Arg735fs (NM_175722.3); c.2723_2732delGGGCCGCAGC (NM_000547.6); short protein forms R735fs, R851fs, R864fs, R908fs.
Identifiers: ClinVar variation 2506221 (VCV002506221.2), dbSNP rs755080955, ClinGen allele CA1512258.